The following is an entry in ClinVar:

ClinVar aggregate classification (germline): Uncertain significance (1 of 4 stars; one submission).

Conditions:
MED13L-related disorder. Also called: MED13L-related condition.

Submission:

PreventionGenetics, part of Exact Sciences
Classification: Uncertain significance for MED13L-related condition. Last evaluated: 2026-09-08. Review status: criteria provided, single submitter. Criteria: ACMG Guidelines, 2015. Collection method: clinical testing. Allele origin: germline.
Comment: The MED13L c.1935G>T variant is predicted to result in the amino acid substitution p.Glu645Asp. To our knowledge, this variant has not been reported in the literature or in a large population database (gnomAD), indicating this variant is rare. At this time, the clinical significance of this variant is uncertain due to the absence of conclusive functional and genetic evidence.

NM_015335.5(MED13L):c.1935G>T (p.Glu645Asp)

Gene: MED13L (mediator complex subunit 13L; minus strand). Cytogenetic location: 12q24.21.
Variant type: single nucleotide variant.
Coding change: c.1935G>T on transcript NM_015335.5 (MANE Select); coding-DNA position 1935, G replaced by T.
Protein change: p.Glu645Asp; replaces glutamic acid 645 with aspartic acid.
Molecular consequence: missense variant.
Genome position (GRCh38, 1-based): chr12:116,008,478, C>A on the plus strand (G>T on the coding strand, the complement: MED13L is on the minus strand). VCF-style: chr12-116008478-C-A. GRCh37 (hg19) VCF-style: chr12-116446283-C-A.
Other names: short protein forms E645D.
Identifiers: ClinVar variation 5000872 (VCV005000872.1).
Genomic context (GRCh38, chr12:116,008,478, plus strand): 5'-CTCTGAGTTTACCTCCATTTTGGCATCACATCTCTCACCCTGGAGCTCTGGAGGCCTGAA[C>A]TCAGCATCATCACTGGGTGGGAGACGATAACTATGCCACCACTTTTCTGATGACTCCGGG-3'
Protein context (NP_056150.1, residues 635-655): SYRLPPSDDA[Glu645Asp]FRPPELQGER